The following is an entry in ClinVar:

ClinVar aggregate classification (germline): Likely pathogenic (1 of 4 stars; one submission).

Conditions:
Intellectual developmental disorder with autistic features and language delay, with or without seizures. Identifiers: MedGen C5394447, MONDO:0030051, OMIM 618906.

Submission:

3billion
Classification: Likely pathogenic for Intellectual developmental disorder with autistic features and language delay, with or without seizures. Last evaluated: 2025-02-25. Review status: criteria provided, single submitter. Criteria: ACMG Guidelines, 2015. Collection method: clinical testing. Allele origin: germline. Affected: yes.
Comment: The variant is not observed in the gnomAD v4.1.0 dataset. Predicted Consequence/Location: Stop-gained (nonsense): predicted to result in a loss or disruption of normal protein function through nonsense-mediated decay (NMD) or protein truncation. Multiple pathogenic variants are reported downstream of the variant. Therefore, this variant is classified as Likely pathogenic according to the recommendation of ACMG/AMP guideline.

NM_001394998.1(TANC2):c.2205dup (p.Asp736Ter)

Gene: TANC2 (tetratricopeptide repeat, ankyrin repeat and coiled-coil containing 2; plus strand). Cytogenetic location: 17q23.3.
Variant type: Duplication.
Coding change: c.2205dup on transcript NM_001394998.1 (MANE Select); coding-DNA position 2205, one base duplicated (T; older notation c.2205dupT).
Protein change: p.Asp736Ter; replaces aspartic acid 736 with a stop codon.
Molecular consequence: nonsense.
Genome position (GRCh38, 1-based): chr17:63,355,013, T duplicated; the last of 3 consecutive T bases (chr17:63,355,011-63,355,013); duplicating any one gives the same sequence. VCF-style (leftmost placement, unchanged base first): chr17-63355010-A-AT. GRCh37 (hg19) VCF-style: chr17-61432371-A-AT.
Other names: c.1983dup, p.Asp662Ter (NM_001411076.1, NM_025185.4); short protein forms D662*, D736*.
Identifiers: ClinVar variation 4293202 (VCV004293202.1).